The following is an entry in ClinVar:

ClinVar aggregate classification (germline): Pathogenic. Review status: criteria provided, single submitter (1 of 4 stars). 4 submissions from 4 submitters: Pathogenic (1). 3 of the submissions do not count toward it. Last evaluated 2021-05-03.

Conditions:
Inborn genetic diseases. Identifiers: MedGen C0950123, MeSH D030342.
Intellectual developmental disorder, autosomal dominant 22. Also called: Intellectual disability, autosomal dominant 22. Identifiers: MedGen CN029689, MONDO:0012869, OMIM 612337.

Submissions (4):

Ambry Genetics
Classification: Pathogenic for Inborn genetic diseases. Last evaluated: 2021-05-03. Review status: criteria provided, single submitter. Criteria: Ambry Variant Classification Scheme 2023. Collection method: clinical testing. Allele origin: germline.
Comment: The c.583C>T (p.R195*) alteration, located in exon 2 (coding exon 2) of the ZBTB18 gene, consists of a C to T substitution at nucleotide position 583. This changes the amino acid from an arginine (R) to a stop codon at amino acid position 195. This alteration occurs at the 3' terminus of the ZBTB18 gene and is not expected to trigger nonsense-mediated mRNA decay; however, premature stop codons are typically deleterious in nature. This alteration and other downstream truncations have been reported as disease causing (Lopes, 2016; Depienne, 2017; DDD Study, 2017). Based on data from the Genome Aggregation Database (gnomAD), the ZBTB18 c.583C>T alteration was not observed, with coverage at this position. Based on the available evidence, this alteration is classified as pathogenic.

OMIM
Classification: Pathogenic for INTELLECTUAL DEVELOPMENTAL DISORDER, AUTOSOMAL DOMINANT 22. Last evaluated: 2022-04-05. Review status: no assertion criteria provided. Collection method: literature only. Allele origin: germline. Not counted in ClinVar's aggregate classification.

Clinical Genetics DNA and cytogenetics Diagnostics Lab, Erasmus MC, Erasmus Medical Center
Classification: Pathogenic. Review status: no assertion criteria provided. Collection method: clinical testing. Allele origin: germline. Affected: yes. Study: VKGL Data-share Consensus. Not counted in ClinVar's aggregate classification.

Joint Genome Diagnostic Labs from Nijmegen and Maastricht, Radboudumc and MUMC+
Classification: Pathogenic. Review status: no assertion criteria provided. Collection method: clinical testing. Allele origin: germline. Affected: yes. Study: VKGL Data-share Consensus. Not counted in ClinVar's aggregate classification.

Literature cited by the submitters: PubMed 26740508 (cited by Ambry Genetics and OMIM); PubMed 28135719 (cited by Ambry Genetics); PubMed 28283832 (cited by Ambry Genetics).

NM_205768.3(ZBTB18):c.583C>T (p.Arg195Ter)

Gene: ZBTB18 (zinc finger and BTB domain containing 18; plus strand). Cytogenetic location: 1q44.
Variant type: single nucleotide variant.
Coding change: c.583C>T on transcript NM_205768.3 (MANE Select); coding-DNA position 583, C replaced by T.
Protein change: p.Arg195Ter; replaces arginine 195 with a stop codon.
Molecular consequence: nonsense.
Genome position (GRCh38, 1-based): chr1:244,054,357, C>T. VCF-style: chr1-244054357-C-T. GRCh37 (hg19) VCF-style: chr1-244217659-C-T.
Other names: c.583C>T (NM_205768.2); c.556C>T, p.Arg186Ter (NM_001278196.2, NM_006352.5); short protein forms R186*, R195*.
Identifiers: ClinVar variation 417741 (VCV000417741.10), dbSNP rs1064792999, ClinGen allele CA16616859.